The following is an entry in ClinVar:

ClinVar aggregate classification (germline): Uncertain significance (1 of 4 stars; one submission).

Conditions:
Lethal multiple pterygium syndrome (LMPS). Identifiers: Orphanet 33108, MedGen C1854678, MONDO:0009668, OMIM 253290.

Allele frequency attached by ClinVar (database versions not stated): gnomAD exomes below 0.00001.
gnomAD v4.1: 5 of 1,614,174 alleles (0.00031%); highest among the groups gnomAD compares: Non-Finnish European, 0.00042%; no homozygotes.

Submission:

Labcorp Genetics (formerly Invitae), Labcorp
Classification: Uncertain significance for Lethal multiple pterygium syndrome. Last evaluated: 2023-10-19. Review status: criteria provided, single submitter. Criteria: Invitae Variant Classification Sherloc (09022015). Collection method: clinical testing. Allele origin: germline.
Comment: This sequence change replaces cysteine, which is neutral and slightly polar, with arginine, which is basic and polar, at codon 129 of the CHRND protein (p.Cys129Arg). This variant is not present in population databases (gnomAD no frequency). This variant has not been reported in the literature in individuals affected with CHRND-related conditions. Advanced modeling of protein sequence and biophysical properties (such as structural, functional, and spatial information, amino acid conservation, physicochemical variation, residue mobility, and thermodynamic stability) performed at Invitae indicates that this missense variant is not expected to disrupt CHRND protein function. In summary, the available evidence is currently insufficient to determine the role of this variant in disease. Therefore, it has been classified as a Variant of Uncertain Significance.

NM_000751.3(CHRND):c.385T>C (p.Cys129Arg)

Gene: CHRND (cholinergic receptor nicotinic delta subunit; plus strand). Cytogenetic location: 2q37.1.
Variant type: single nucleotide variant.
Coding change: c.385T>C on transcript NM_000751.3 (MANE Select); coding-DNA position 385, T replaced by C.
Protein change: p.Cys129Arg; replaces cysteine 129 with arginine.
Molecular consequence: missense variant. On other transcripts: synonymous variant (1).
Genome position (GRCh38, 1-based): chr2:232,528,532, T>C. VCF-style: chr2-232528532-T-C. GRCh37 (hg19) VCF-style: chr2-233393242-T-C.
Other names: c.340T>C, p.Cys114Arg (NM_001256657.2); c.114T>C, p.Pro38= (NM_001311195.2); c.82T>C, p.Cys28Arg (NM_001311196.2); short protein forms C28R, C129R, C114R.
Identifiers: ClinVar variation 3011044 (VCV003011044.3), dbSNP rs2469718968, ClinGen allele CA350997841.
Genomic context (GRCh38, chr2:232,528,532, plus strand): 5'-TCACTATGGTTCTTGTCCCTGTCCCCCAGCAATGACGGCTCCTTCCAGATCTCCTACTCC[T>C]GCAACGTGCTTGTCTACCACTACGGCTTCGTGTACTGGCTGCCACCTGCCATCTTCCGCT-3'
Protein context (NP_000742.1, residues 119-139): NDGSFQISYS[Cys129Arg]NVLVYHYGFV